The following is an entry in ClinVar:

NM_005378.6(MYCN):c.527C>T (p.Pro176Leu)

Gene: MYCN (MYCN proto-oncogene, bHLH transcription factor; plus strand). Cytogenetic location: 2p24.3.
Variant type: single nucleotide variant.
Coding change: c.527C>T on transcript NM_005378.6 (MANE Select); coding-DNA position 527, C replaced by T.
Protein change: p.Pro176Leu; replaces proline 176 with leucine.
Molecular consequence: missense variant. On other transcripts: 3 prime UTR variant (1), intron variant (1).
Genome position (GRCh38, 1-based): chr2:15,942,591, C>T. VCF-style: chr2-15942591-C-T. GRCh37 (hg19) VCF-style: chr2-16082713-C-T.
Other names: c.527C>T, p.Pro176Leu (NM_001293228.2); c.*462C>T (NM_001293233.2); c.157+1848C>T (NM_001293231.2); short protein forms P176L.
Identifiers: ClinVar variation 3584505 (VCV003584505.2).

ClinVar aggregate classification (germline): Conflicting classifications of pathogenicity. Review status: criteria provided, conflicting classifications (1 of 4 stars). 2 submissions from 2 submitters: Uncertain significance (1); Likely benign (1). Last evaluated 2025-04-22.

Conditions:
Feingold syndrome type 1 (FGLDS1). Also called: MICROCEPHALY, MENTAL RETARDATION, AND TRACHEOESOPHAGEAL FISTULA SYNDROME; MICROCEPHALY-OCULO-DIGITO-ESOPHAGEAL-DUODENAL SYNDROME; OCULODIGITOESOPHAGODUODENAL SYNDROME; ODED SYNDROME; MICROCEPHALY AND DIGITAL ABNORMALITIES WITH NORMAL INTELLIGENCE. Identifiers: Orphanet 1305, Orphanet 391641, MedGen C4551774, MONDO:0008115, OMIM 164280.
Megalencephaly-polydactyly syndrome (MPAPA). Identifiers: MedGen C5935591, MONDO:0958279, OMIM 620748.

Submissions (2):

Labcorp Genetics (formerly Invitae), Labcorp
Classification: Uncertain significance. Last evaluated: 2025-04-22. Review status: criteria provided, single submitter. Criteria: Invitae Variant Classification Sherloc (09022015). Collection method: clinical testing. Allele origin: germline.
Comment: This sequence change replaces proline, which is neutral and non-polar, with leucine, which is neutral and non-polar, at codon 176 of the MYCN protein (p.Pro176Leu). This variant is present in population databases (rs778525839, gnomAD 0.05%). This variant has not been reported in the literature in individuals affected with MYCN-related conditions. ClinVar contains an entry for this variant (Variation ID: 3584505). Invitae Evidence Modeling of protein sequence and biophysical properties (such as structural, functional, and spatial information, amino acid conservation, physicochemical variation, residue mobility, and thermodynamic stability) indicates that this missense variant is not expected to disrupt MYCN protein function with a negative predictive value of 95%. In summary, the available evidence is currently insufficient to determine the role of this variant in disease. Therefore, it has been classified as a Variant of Uncertain Significance.

Fulgent Genetics
Classification: Likely benign for Feingold syndrome type 1; Megalencephaly-polydactyly syndrome. Last evaluated: 2024-06-04. Review status: criteria provided, single submitter. Criteria: ACMG Guidelines, 2015. Collection method: clinical testing. Allele origin: germline.